The following is an entry in ClinVar:

NM_023110.3(FGFR1):c.622-117_627dup

Gene: FGFR1 (fibroblast growth factor receptor 1; minus strand). Cytogenetic location: 8p11.23.
Variant type: Duplication.
Coding change: c.622-117_627dup on transcript NM_023110.3 (MANE Select); 117 bases into the intron before coding-DNA position 622 through coding-DNA position 627, 123 bases duplicated.
Molecular consequence: splice acceptor variant.
Genome position (GRCh38, 1-based): chr8:38,426,240-38,426,362, 123 bases duplicated. GRCh37 (hg19): chr8:38,283,758-38,283,880.
Other names: c.349-117_354dup (NM_001354368.2, NM_001354370.2, NM_023106.3); c.355-117_360dup (NM_023105.3, NM_001174066.2); c.616-117_621dup (NM_001354367.2, NM_015850.4, NM_001354369.2 and 2 more transcripts); c.622-117_627dup (NM_001174063.2); c.598-117_603dup (NM_001174064.2); c.715-117_720dup (NM_001174067.2).
Identifiers: ClinVar variation 3756854 (VCV003756854.2).

ClinVar aggregate classification (germline): Uncertain significance (1 of 4 stars; one submission).

Conditions:
Hypogonadotropic hypogonadism 2 with or without anosmia (HH2). Also called: HYPOGONADOTROPIC HYPOGONADISM 2 WITH OR WITHOUT ANOSMIA, SUSCEPTIBILITY TO; HYPOGONADOTROPIC HYPOGONADISM 2 WITHOUT ANOSMIA, SUSCEPTIBILITY TO; FGFR1-Related GnRH Deficiency (Kallmann Syndrome 2); HYPOGONADOTROPIC HYPOGONADISM 2 WITHOUT ANOSMIA. Identifiers: Orphanet 478, MedGen C1563720, MONDO:0007844, OMIM 147950. Disease mechanism: loss of function.
Pfeiffer syndrome (ACS5). Also called: ACS V. Identifiers: Orphanet 710, MedGen C0220658, MONDO:0007043, OMIM 101600.

Submission:

Labcorp Genetics (formerly Invitae), Labcorp
Classification: Uncertain significance for Pfeiffer syndrome; Hypogonadotropic hypogonadism 2 with or without anosmia. Last evaluated: 2024-06-17. Review status: criteria provided, single submitter. Criteria: Invitae Variant Classification Sherloc (09022015). Collection method: clinical testing. Allele origin: germline.
Comment: This sequence change falls in intron 5 of the FGFR1 gene. It does not directly change the encoded amino acid sequence of the FGFR1 protein. This variant is not present in population databases (gnomAD no frequency). This variant has not been reported in the literature in individuals affected with FGFR1-related conditions. This variant is also known as c.622-117_627dup (p.Arg209_Tyr210insGlyProCysAlaThrArgLeu*). Experimental studies and prediction algorithms are not available or were not evaluated, and the effect of this variant on mRNA splicing is currently unknown. In summary, the available evidence is currently insufficient to determine the role of this variant in disease. Therefore, it has been classified as a Variant of Uncertain Significance.